The following is an entry in ClinVar:

ClinVar aggregate classification (germline): Uncertain significance (1 of 4 stars; one submission).

Conditions:
Inborn genetic diseases. Identifiers: MedGen C0950123, MeSH D030342.

Allele frequency attached by ClinVar (database versions not stated): TOPMed 0.00003; ExAC 0.00025.
gnomAD v4.1: 38 of 1,550,532 alleles (0.0025%); highest among the groups gnomAD compares: South Asian, 0.02%; no homozygotes.

Submission:

Ambry Genetics
Classification: Uncertain significance for Inborn genetic diseases. Last evaluated: 2020-10-05. Review status: criteria provided, single submitter. Criteria: Ambry Variant Classification Scheme 2023. Collection method: clinical testing. Allele origin: germline.
Comment: The p.P945L variant (also known as c.2834C>T), located in coding exon 26 of the KIF1A gene, results from a C to T substitution at nucleotide position 2834. The proline at codon 945 is replaced by leucine, an amino acid with similar properties. This amino acid position is not well conserved in available vertebrate species. In addition, this alteration is predicted to be tolerated by in silico analysis. Since supporting evidence is limited at this time, the clinical significance of this alteration remains unclear.

NM_001244008.2(KIF1A):c.2834C>T (p.Pro945Leu)

Gene: KIF1A (kinesin family member 1A; minus strand). Cytogenetic location: 2q37.3.
Variant type: single nucleotide variant.
Coding change: c.2834C>T on transcript NM_001244008.2 (MANE Select); coding-DNA position 2834, C replaced by T.
Protein change: p.Pro945Leu; replaces proline 945 with leucine.
Molecular consequence: missense variant. On other transcripts: intron variant (18).
Genome position (GRCh38, 1-based): chr2:240,757,343, G>A on the plus strand (C>T on the coding strand, the complement: KIF1A is on the minus strand). VCF-style: chr2-240757343-G-A. GRCh37 (hg19) VCF-style: chr2-241696760-G-A.
Other names: c.2909C>T, p.Pro970Leu (NM_001379631.1); c.2783C>T, p.Pro928Leu (NM_001379632.1); c.2807C>T, p.Pro936Leu (NM_001379633.1, NM_001379642.1, NM_001379645.1); c.2555+1017C>T (NM_001379653.1, NM_001379650.1, NM_001379640.1 and 6 more transcripts); c.2657+1017C>T (NM_001379635.1, NM_001330290.2, NM_001379646.1 and 1 more transcripts); c.2630+1017C>T (NM_001379637.1, NM_001379648.1); c.2582+1017C>T (NM_001320705.2, NM_001379638.1, NM_001330289.2); short protein forms P928L, P936L, P970L, P945L.
Identifiers: ClinVar variation 1796625 (VCV001796625.2), dbSNP rs756992364, ClinGen allele CA2208011.